The following is an entry in ClinVar:

ClinVar aggregate classification (germline): Uncertain significance (1 of 4 stars; one submission).

Conditions:
POLD1-related polyposis and colorectal cancer syndrome (CRCS10). Also called: Colorectal cancer, susceptibility to, 10; Colorectal cancer 10; COLORECTAL CANCER, SUSCEPTIBILITY TO, ON CHROMOSOME 19q. Identifiers: Orphanet 220460, MedGen C2675481, MONDO:0012953, OMIM 612591.

Allele frequency attached by ClinVar (database versions not stated): gnomAD 0.00001; TOPMed 0.00001.
gnomAD v4.1: 1 of 1,612,654 alleles (0.000062%); highest among the groups gnomAD compares: Non-Finnish European, 0.000085%; no homozygotes.

Submission:

Labcorp Genetics (formerly Invitae), Labcorp
Classification: Uncertain significance for POLD1-related polyposis and colorectal cancer syndrome. Last evaluated: 2018-08-25. Review status: criteria provided, single submitter. Criteria: Invitae Variant Classification Sherloc (09022015). Collection method: clinical testing. Allele origin: germline.
Comment: This sequence change replaces serine with threonine at codon 575 of the POLD1 protein (p.Ser575Thr). The serine residue is weakly conserved and there is a small physicochemical difference between serine and threonine. This variant is not present in population databases (ExAC no frequency). This variant has not been reported in the literature in individuals with POLD1-related disease. Algorithms developed to predict the effect of missense changes on protein structure and function output the following: SIFT: "Tolerated"; PolyPhen-2: "Benign"; Align-GVGD: "Class C0". The threonine amino acid residue is found in multiple mammalian species, suggesting that this missense change does not adversely affect protein function. These predictions have not been confirmed by published functional studies and their clinical significance is uncertain. In summary, the available evidence is currently insufficient to determine the role of this variant in disease. Therefore, it has been classified as a Variant of Uncertain Significance.

NM_002691.4(POLD1):c.1723T>A (p.Ser575Thr)

Gene: POLD1 (DNA polymerase delta 1, catalytic subunit; plus strand). Cytogenetic location: 19q13.33.
Variant type: single nucleotide variant.
Coding change: c.1723T>A on transcript NM_002691.4 (MANE Select); coding-DNA position 1723, T replaced by A.
Protein change: p.Ser575Thr; replaces serine 575 with threonine.
Molecular consequence: missense variant. On other transcripts: non-coding transcript variant (1).
Genome position (GRCh38, 1-based): chr19:50,407,363, T>A. VCF-style: chr19-50407363-T-A. GRCh37 (hg19) VCF-style: chr19-50910620-T-A.
Other names: c.1723T>A, p.Ser575Thr (NM_001256849.1, NM_001308632.1); short protein forms S575T.
Identifiers: ClinVar variation 661155 (VCV000661155.8), dbSNP rs1382017039, ClinGen allele CA406981240.